The following is an entry in ClinVar:

NM_001130987.2(DYSF):c.2578A>T (p.Lys860Ter)

Gene: DYSF (dysferlin; plus strand). Cytogenetic location: 2p13.2.
Variant type: single nucleotide variant.
Coding change: c.2578A>T on transcript NM_001130987.2 (MANE Select); coding-DNA position 2578, A replaced by T.
Protein change: p.Lys860Ter; replaces lysine 860 with a stop codon.
Molecular consequence: nonsense.
Genome position (GRCh38, 1-based): chr2:71,567,963, A>T. VCF-style: chr2-71567963-A-T. GRCh37 (hg19) VCF-style: chr2-71795093-A-T.
Other names: c.2527A>T, p.Lys843Ter (NM_001130455.2, NM_001130983.2); c.2482A>T, p.Lys828Ter (NM_001130976.2, NM_001130977.2); c.2524A>T, p.Lys842Ter (NM_001130978.2, NM_003494.4); c.2617A>T, p.Lys873Ter (NM_001130979.2); c.2575A>T, p.Lys859Ter (NM_001130980.2, NM_001130981.2); c.2620A>T, p.Lys874Ter (NM_001130982.2); c.2485A>T, p.Lys829Ter (NM_001130984.2, NM_001130986.2); c.2578A>T, p.Lys860Ter (NM_001130985.2); short protein forms K828*, K829*, K842*, K843*, K859*, K860*, K873*, K874*.
Identifiers: ClinVar variation 983670 (VCV000983670.4), dbSNP rs2092205152, ClinGen allele CA347213101.
Genomic context (GRCh38, chr2:71,567,963, plus strand): 5'-CCGGATCCTGAAGGGGACTGTGGGTTTCTGTCCTTCTCTGGTACCCAGTATCCGATGGAG[A>T]AGGTGCCTGGCGCCCGGATGCCAGTGCAGATACGGGTCAAGCTGTGGTTTGGGCTCTCAG-3'

ClinVar aggregate classification (germline): Likely pathogenic (1 of 4 stars; one submission).

Conditions:
Autosomal recessive limb-girdle muscular dystrophy. Identifiers: Orphanet 102015, MedGen C2931907, MONDO:0015152.

Submission:

Myriad Genetics, Inc.
Classification: Likely pathogenic for Autosomal recessive limb-girdle muscular dystrophy. Last evaluated: 2019-12-28. Review status: criteria provided, single submitter. Criteria: Myriad Autosomal Dominant, Autosomal Recessive and X-Linked Classification Criteria (2023). Collection method: clinical testing. Allele origin: unknown.
Comment: NM_003494.3(DYSF):c.2524A>T(K842*) is expected to be pathogenic in the context of dysferlinopathy. This variant is predicted to lead to an abnormal or absent protein product due to the creation of a premature termination codon in DYSF, a gene where loss-of-function variants are known to be pathogenic. Please note: this variant was assessed in the context of healthy population screening.